The following is an entry in ClinVar:

ClinVar aggregate classification (germline): Likely benign (1 of 4 stars; one submission).

Allele frequency attached by ClinVar (database versions not stated): ESP Exome Variant Server 0.00208; 1000 Genomes Project 30x 0.00219; 1000 Genomes Project 0.00220.
gnomAD v4.1: 2,079 of 780,756 alleles (0.27%); highest among the groups gnomAD compares: Non-Finnish European, 0.38%; 8 homozygotes.

Submission:

CeGaT Center for Human Genetics Tuebingen
Classification: Likely benign. Last evaluated: 2022-06-01. Review status: criteria provided, single submitter. Criteria: CeGaT Center For Human Genetics Tuebingen Variant Classification Criteria Version 2. Collection method: clinical testing. Allele origin: germline. Affected: yes. Observed: 1 variant allele.
Comment: OPN4: BP4, BP7

NM_033282.4(OPN4):c.291-825T>G

Gene: OPN4 (opsin 4; plus strand). Cytogenetic location: 10q23.2.
Variant type: single nucleotide variant.
Coding change: c.291-825T>G on transcript NM_033282.4 (MANE Select); 825 bases into the intron before coding-DNA position 291, T replaced by G.
Molecular consequence: intron variant. On other transcripts: synonymous variant (1).
Genome position (GRCh38, 1-based): chr10:86,657,207, T>G. VCF-style: chr10-86657207-T-G. GRCh37 (hg19) VCF-style: chr10-88416964-T-G.
Other names: c.303T>G, p.Arg101= (NM_001030015.3).
Identifiers: ClinVar variation 2640652 (VCV002640652.24), dbSNP rs41297165, ClinGen allele CA5583997.